The following is an entry in ClinVar:

NM_001371928.1(AHDC1):c.2341G>A (p.Gly781Arg)

Gene: AHDC1 (AT-hook DNA binding motif containing 1; minus strand). Cytogenetic location: 1p36.11.
Variant type: single nucleotide variant.
Coding change: c.2341G>A on transcript NM_001371928.1 (MANE Select); coding-DNA position 2341, G replaced by A.
Protein change: p.Gly781Arg; replaces glycine 781 with arginine.
Molecular consequence: missense variant.
Genome position (GRCh38, 1-based): chr1:27,549,775, C>T on the plus strand (G>A on the coding strand, the complement: AHDC1 is on the minus strand). VCF-style: chr1-27549775-C-T. GRCh37 (hg19) VCF-style: chr1-27876286-C-T.
Other names: c.2341G>A (NM_001029882.2); c.2341G>A, p.Gly781Arg (NM_001029882.3); short protein forms G781R.
Identifiers: ClinVar variation 2033809 (VCV002033809.5), dbSNP rs750144947, ClinGen allele CA715785.

ClinVar aggregate classification (germline): Uncertain significance. Review status: criteria provided, multiple submitters, no conflicts (2 of 4 stars). 2 submissions from 2 submitters: Uncertain significance (2). Last evaluated 2025-10-28.

Conditions:
Inborn genetic diseases. Identifiers: MedGen C0950123, MeSH D030342.

Allele frequency attached by ClinVar (database versions not stated): ExAC 0.00001; gnomAD exomes 0.00001; TOPMed 0.00001; gnomAD 0.00002.
gnomAD v4.1: 13 of 1,613,236 alleles (0.00081%); highest among the groups gnomAD compares: Admixed American, 0.0017%; no homozygotes.

Submissions (2):

Ambry Genetics
Classification: Uncertain significance for Inborn genetic diseases. Last evaluated: 2025-10-28. Review status: criteria provided, single submitter. Criteria: Ambry Variant Classification Scheme 2023. Collection method: clinical testing. Allele origin: germline.

Labcorp Genetics (formerly Invitae), Labcorp
Classification: Uncertain significance. Last evaluated: 2022-07-21. Review status: criteria provided, single submitter. Criteria: Invitae Variant Classification Sherloc (09022015). Collection method: clinical testing. Allele origin: germline.
Comment: In summary, the available evidence is currently insufficient to determine the role of this variant in disease. Therefore, it has been classified as a Variant of Uncertain Significance. Algorithms developed to predict the effect of missense changes on protein structure and function are either unavailable or do not agree on the potential impact of this missense change (SIFT: "Deleterious"; PolyPhen-2: "Probably Damaging"; Align-GVGD: "Class C0"). This variant has not been reported in the literature in individuals affected with AHDC1-related conditions. This variant is present in population databases (rs750144947, gnomAD 0.002%). This sequence change replaces glycine, which is neutral and non-polar, with arginine, which is basic and polar, at codon 781 of the AHDC1 protein (p.Gly781Arg).